The following is an entry in ClinVar:

NM_001371986.1(UNC80):c.3650C>A (p.Ala1217Glu)

Genes: UNC80 (unc-80 subunit of NALCN channel complex; plus strand), LOC121725110 (Sharpr-MPRA regulatory region 8902; plus strand). Cytogenetic location: 2q34.
Variant type: single nucleotide variant.
Coding change: c.3650C>A on transcript NM_001371986.1 (MANE Select); coding-DNA position 3650, C replaced by A.
Protein change: p.Ala1217Glu; replaces alanine 1217 with glutamic acid.
Molecular consequence: missense variant.
Genome position (GRCh38, 1-based): chr2:209,872,780, C>A. VCF-style: chr2-209872780-C-A. GRCh37 (hg19) VCF-style: chr2-210737504-C-A.
Other names: c.3656C>A, p.Ala1219Glu (NM_032504.2); c.3641C>A, p.Ala1214Glu (NM_182587.4); short protein forms A1214E, A1217E, A1219E.
Identifiers: ClinVar variation 4999770 (VCV004999770.1).

ClinVar aggregate classification (germline): Uncertain significance (1 of 4 stars; one submission).

Conditions:
UNC80-related disorder. Also called: UNC80-related condition.

Submission:

PreventionGenetics, part of Exact Sciences
Classification: Uncertain significance for UNC80-related condition. Last evaluated: 2025-04-12. Review status: criteria provided, single submitter. Criteria: ACMG Guidelines, 2015. Collection method: clinical testing. Allele origin: germline.
Comment: The UNC80 c.3656C>A variant is predicted to result in the amino acid substitution p.Ala1219Glu. To our knowledge, this variant has not been reported in the literature or in a large population database (gnomAD), indicating this variant is rare. At this time, the clinical significance of this variant is uncertain due to the absence of conclusive functional and genetic evidence.